The following is an entry in ClinVar:

NM_004484.4(GPC3):c.1712C>T (p.Ser571Leu)

Gene: GPC3 (glypican 3; minus strand). Cytogenetic location: Xq26.2.
Variant type: single nucleotide variant.
Coding change: c.1712C>T on transcript NM_004484.4 (MANE Select); coding-DNA position 1712, C replaced by T.
Protein change: p.Ser571Leu; replaces serine 571 with leucine.
Molecular consequence: missense variant.
Genome position (GRCh38, 1-based): chrX:133,536,155, G>A on the plus strand (C>T on the coding strand, the complement: GPC3 is on the minus strand). VCF-style: chrX-133536155-G-A. GRCh37 (hg19) VCF-style: chrX-132670183-G-A.
Other names: c.1781C>T, p.Ser594Leu (NM_001164617.2); c.1664C>T, p.Ser555Leu (NM_001164618.2); c.1550C>T, p.Ser517Leu (NM_001164619.2); short protein forms S517L, S555L, S594L, S571L.
Identifiers: ClinVar variation 2153772 (VCV002153772.4), dbSNP rs2069287341, ClinGen allele CA414702435.

ClinVar aggregate classification (germline): Uncertain significance (1 of 4 stars; one submission).

Conditions:
Wilms tumor 1 (WT1). Also called: Wilms tumor, somatic. Identifiers: Orphanet 654, MedGen CN033288, MONDO:0008679, OMIM 194070.

Allele frequency attached by ClinVar (database versions not stated): gnomAD exomes below 0.00001; TOPMed below 0.00001.
gnomAD v4.1: 3 of 1,207,712 alleles (0.00025%); highest among the groups gnomAD compares: African/African-American, 0.0017%; no homozygotes.

Submission:

Labcorp Genetics (formerly Invitae), Labcorp
Classification: Uncertain significance for Wilms tumor 1. Last evaluated: 2022-10-13. Review status: criteria provided, single submitter. Criteria: Invitae Variant Classification Sherloc (09022015). Collection method: clinical testing. Allele origin: germline.
Comment: This sequence change replaces serine, which is neutral and polar, with leucine, which is neutral and non-polar, at codon 571 of the GPC3 protein (p.Ser571Leu). This variant is not present in population databases (gnomAD no frequency). In summary, the available evidence is currently insufficient to determine the role of this variant in disease. Therefore, it has been classified as a Variant of Uncertain Significance. Algorithms developed to predict the effect of missense changes on protein structure and function (SIFT, PolyPhen-2, Align-GVGD) all suggest that this variant is likely to be tolerated. This variant has not been reported in the literature in individuals affected with GPC3-related conditions.